The following is an entry in ClinVar:

ClinVar aggregate classification (germline): Benign/Likely benign. Review status: criteria provided, multiple submitters, no conflicts (2 of 4 stars). 3 submissions from 3 submitters: Benign (1); Likely benign (2). Last evaluated 2025-11-05.

Conditions:
Hereditary cancer-predisposing syndrome. Also called: Neoplastic Syndromes, Hereditary; Tumor predisposition; Hereditary neoplastic syndrome; Hereditary Cancer Syndrome. Identifiers: Orphanet 140162, MedGen C0027672, MeSH D009386, MONDO:0015356.
Renal cell carcinoma. Identifiers: Orphanet 217071, MedGen C0007134, MeSH D002292, MONDO:0005086, HP:0005584.
Papillary renal cell carcinoma type 1 (RCCP1). Also called: Renal adenocarcinoma; Renal cell carcinoma 1; Renal cell carcinoma, somatic; RENAL CELL CARCINOMA, PAPILLARY, 1, SOMATIC. Identifiers: Orphanet 47044, MedGen C1336839, OMIM 605074, HP:0011797.

Submissions (3):

Ambry Genetics
Classification: Likely benign for Hereditary cancer-predisposing syndrome. Last evaluated: 2025-11-05. Review status: criteria provided, single submitter. Criteria: Ambry Variant Classification Scheme 2023. Collection method: clinical testing. Allele origin: germline.

Labcorp Genetics (formerly Invitae), Labcorp
Classification: Likely benign for Renal cell carcinoma. Last evaluated: 2025-08-07. Review status: criteria provided, single submitter. Criteria: Invitae Variant Classification Sherloc (09022015). Collection method: clinical testing. Allele origin: germline.

Myriad Genetics, Inc.
Classification: Benign for Papillary renal cell carcinoma type 1. Last evaluated: 2024-11-07. Review status: criteria provided, single submitter. Criteria: Myriad Autosomal Dominant, Autosomal Recessive and X-Linked Classification Criteria (2023). Collection method: clinical testing. Allele origin: unknown.
Comment: This variant is considered benign. This variant is a silent/synonymous amino acid change and it is not expected to impact splicing.

NM_000245.4(MET):c.1602C>T (p.Pro534=)

Gene: MET (MET proto-oncogene, receptor tyrosine kinase; plus strand). Cytogenetic location: 7q31.2.
Variant type: single nucleotide variant.
Coding change: c.1602C>T on transcript NM_000245.4 (MANE Select); coding-DNA position 1602, C replaced by T.
Protein change: p.Pro534=; no amino-acid change (proline 534 retained).
Molecular consequence: synonymous variant.
Genome position (GRCh38, 1-based): chr7:116,740,926, C>T. VCF-style: chr7-116740926-C-T. GRCh37 (hg19) VCF-style: chr7-116380980-C-T.
Other names: c.1602C>T, p.Pro534= (NM_001127500.3, NM_001324401.3); c.312C>T, p.Pro104= (NM_001324402.2).
Identifiers: ClinVar variation 2720544 (VCV002720544.5), dbSNP rs1554391268, ClinGen allele CA457215593.